The following is an entry in ClinVar:

NM_017617.5(NOTCH1):c.547G>C (p.Gly183Arg)

Gene: NOTCH1 (notch receptor 1; minus strand). Cytogenetic location: 9q34.3.
Variant type: single nucleotide variant.
Coding change: c.547G>C on transcript NM_017617.5 (MANE Select); coding-DNA position 547, G replaced by C.
Protein change: p.Gly183Arg; replaces glycine 183 with arginine.
Molecular consequence: missense variant.
Genome position (GRCh38, 1-based): chr9:136,523,045, C>G on the plus strand (G>C on the coding strand, the complement: NOTCH1 is on the minus strand). VCF-style: chr9-136523045-C-G. GRCh37 (hg19) VCF-style: chr9-139417497-C-G.
Other names: short protein forms G183R.
Identifiers: ClinVar variation 853278 (VCV000853278.9), dbSNP rs1843399830, ClinGen allele CA375570377.
Genomic context (GRCh38, chr9:136,523,045, plus strand): 5'-GGTAGGAGCCGACCTCGTTGTGGCAGGTGCCTCCGTGGCGGCAAAGCCCGGGCTTCTGGC[C>G]ACACTCGTTGACATCCTGCCGGCAGGTGGGGCCATGGAAGCTGGGTGGGCAGTGGCAGAT-3'
Protein context (NP_060087.3, residues 173-193): PTCRQDVNEC[Gly183Arg]QKPGLCRHGG

ClinVar aggregate classification (germline): Uncertain significance (1 of 4 stars; one submission).

Conditions:
Adams-Oliver syndrome 5 (AOS5). Identifiers: Orphanet 974, MedGen C4014970, MONDO:0014459, OMIM 616028.

Submission:

Labcorp Genetics (formerly Invitae), Labcorp
Classification: Uncertain significance for Adams-Oliver syndrome 5. Last evaluated: 2019-11-27. Review status: criteria provided, single submitter. Criteria: Invitae Variant Classification Sherloc (09022015). Collection method: clinical testing. Allele origin: germline.
Comment: In summary, the available evidence is currently insufficient to determine the role of this variant in disease. Therefore, it has been classified as a Variant of Uncertain Significance. Algorithms developed to predict the effect of missense changes on protein structure and function (SIFT, PolyPhen-2, Align-GVGD) all suggest that this variant is likely to be tolerated, but these predictions have not been confirmed by published functional studies and their clinical significance is uncertain. This variant has not been reported in the literature in individuals with NOTCH1-related conditions. This variant is not present in population databases (ExAC no frequency). This sequence change replaces glycine with arginine at codon 183 of the NOTCH1 protein (p.Gly183Arg). The glycine residue is weakly conserved and there is a moderate physicochemical difference between glycine and arginine.